The following is an entry in ClinVar:

ClinVar aggregate classification (germline): Likely benign (0 of 4 stars; one submission).

Conditions:
ATP2A3-related disorder. Also called: ATP2A3-related condition.

gnomAD v4.1: 45 of 1,613,770 alleles (0.0028%); highest among the groups gnomAD compares: East Asian, 0.033%; no homozygotes.

Submission:

PreventionGenetics, part of Exact Sciences
Classification: Likely benign for ATP2A3-related condition. Last evaluated: 2019-08-09. Review status: no assertion criteria provided. Collection method: clinical testing. Allele origin: germline.
Comment: This variant is classified as likely benign based on ACMG/AMP sequence variant interpretation guidelines (Richards et al. 2015 PMID: 25741868, with internal and published modifications).

NM_005173.4(ATP2A3):c.1707G>A (p.Ala569=)

Gene: ATP2A3 (ATPase sarcoplasmic/endoplasmic reticulum Ca2+ transporting 3; minus strand). Cytogenetic location: 17p13.2.
Variant type: single nucleotide variant.
Coding change: c.1707G>A on transcript NM_005173.4 (MANE Select); coding-DNA position 1707, G replaced by A.
Protein change: p.Ala569=; no amino-acid change (alanine 569 retained).
Molecular consequence: synonymous variant.
Genome position (GRCh38, 1-based): chr17:3,941,493, C>T on the plus strand (G>A on the coding strand, the complement: ATP2A3 is on the minus strand). VCF-style: chr17-3941493-C-T. GRCh37 (hg19) VCF-style: chr17-3844787-C-T.
Other names: c.1707G>A, p.Ala569= (NM_174953.3, NM_174954.3, NM_174955.3 and 3 more transcripts).
Identifiers: ClinVar variation 3056092 (VCV003056092.2), dbSNP rs1800912, ClinGen allele CA8297097.